The following is an entry in ClinVar:

ClinVar aggregate classification (germline): Uncertain significance. Review status: criteria provided, multiple submitters, no conflicts (2 of 4 stars). 2 submissions from 2 submitters: Uncertain significance (2). Last evaluated 2025-11-17.

Conditions:
Hereditary cancer-predisposing syndrome. Also called: Neoplastic Syndromes, Hereditary; Hereditary Cancer Syndrome; Tumor predisposition; Hereditary neoplastic syndrome. Identifiers: Orphanet 140162, MedGen C0027672, MeSH D009386, MONDO:0015356.
Familial cancer of breast. Also called: hereditary breast carcinoma; BREAST CANCER, FAMILIAL; Hereditary breast cancer. Identifiers: Orphanet 227535, MedGen C0346153, MONDO:0016419, OMIM 114480. Disease mechanism: loss of function.

Submissions (2):

Ambry Genetics
Classification: Uncertain significance for Hereditary cancer-predisposing syndrome. Last evaluated: 2025-11-17. Review status: criteria provided, single submitter. Criteria: Ambry Variant Classification Scheme 2023. Collection method: clinical testing. Allele origin: germline.
Comment: The c.334_336delAAC variant (also known as p.N112del) is located in coding exon 2 of the CHEK2 gene. This variant results from an in-frame AAC deletion at nucleotide positions 334 to 336. This results in the in-frame deletion of an asparagine at codon 112. This amino acid position is not well conserved in available vertebrate species. In addition, this variant is predicted to be deleterious by in silico analysis (Choi Y et al. PLoS ONE. 2012; 7(10):e46688). Based on the available evidence, the clinical significance of this variant remains unclear.

Labcorp Genetics (formerly Invitae), Labcorp
Classification: Uncertain significance for Familial cancer of breast. Last evaluated: 2025-08-15. Review status: criteria provided, single submitter. Criteria: Invitae Variant Classification Sherloc (09022015). Collection method: clinical testing. Allele origin: germline.
Comment: This variant, c.334_336del, results in the deletion of 1 amino acid(s) of the CHEK2 protein (p.Asn112del), but otherwise preserves the integrity of the reading frame. This variant is not present in population databases (gnomAD no frequency). This variant has not been reported in the literature in individuals affected with CHEK2-related conditions. ClinVar contains an entry for this variant (Variation ID: 575262). Experimental studies and prediction algorithms are not available or were not evaluated, and the functional significance of this variant is currently unknown. In summary, the available evidence is currently insufficient to determine the role of this variant in disease. Therefore, it has been classified as a Variant of Uncertain Significance.

NM_007194.4(CHEK2):c.334_336del (p.Asn112del)

Gene: CHEK2 (checkpoint kinase 2; minus strand). Cytogenetic location: 22q12.1.
Variant type: Deletion.
Coding change: c.334_336del on transcript NM_007194.4 (MANE Select); coding-DNA positions 334 to 336, 3 bases deleted (AAC; older notation c.334_336delAAC).
Protein change: p.Asn112del; deletes asparagine 112.
Molecular consequence: inframe deletion. On other transcripts: inframe indel (3).
Genome position (GRCh38, 1-based): chr22:28,725,351-28,725,353, GTT deleted on the plus strand (AAC on the coding strand, the reverse complement: CHEK2 is on the minus strand); deleting any 3 consecutive bases within chr22:28,725,351-28,725,355 gives the same sequence; the c. name uses the placement nearest the transcript's 3' end. VCF-style (leftmost placement, unchanged base first): chr22-28725350-AGTT-A. GRCh37 (hg19) VCF-style: chr22-29121338-AGTT-A.
Other names: c.461_463delACA, p.Asn155del (NM_001005735.3); c.-446_-444delACA (NM_001257387.3); c.332_334delACA, p.Asn112del (NM_001349956.3, NM_145862.3); short protein forms N112del, N155del.
Identifiers: ClinVar variation 575262 (VCV000575262.10), dbSNP rs1569159061, ClinGen allele CA891844561.